The following is an entry in ClinVar:

NM_004393.6(DAG1):c.1331C>T (p.Thr444Ile)

Gene: DAG1 (dystroglycan 1; plus strand). Cytogenetic location: 3p21.31.
Variant type: single nucleotide variant.
Coding change: c.1331C>T on transcript NM_004393.6 (MANE Select); coding-DNA position 1331, C replaced by T.
Protein change: p.Thr444Ile; replaces threonine 444 with isoleucine.
Molecular consequence: missense variant.
Genome position (GRCh38, 1-based): chr3:49,531,842, C>T. VCF-style: chr3-49531842-C-T. GRCh37 (hg19) VCF-style: chr3-49569275-C-T.
Other names: c.1331C>T, p.Thr444Ile (NM_001165928.4, NM_001177634.3, NM_001177635.3 and 9 more transcripts); short protein forms T444I.
Identifiers: ClinVar variation 2056749 (VCV002056749.4), dbSNP rs773167280, ClinGen allele CA2399060.
Genomic context (GRCh38, chr3:49,531,842, plus strand): 5'-CCAAGAAGCCACGAGTATCCACACCAAAACCAGCAACGCCTTCAACTGACTCCACCACCA[C>T]CACGACTCGCAGGCCAACCAAGAAACCACGGACACCCCGGCCAGTGCCCCGGGTCACCAC-3'
Protein context (NP_004384.5, residues 434-454): PATPSTDSTT[Thr444Ile]TTRRPTKKPR

ClinVar aggregate classification (germline): Uncertain significance. Review status: criteria provided, multiple submitters, no conflicts (2 of 4 stars). 2 submissions from 2 submitters: Uncertain significance (2). Last evaluated 2022-08-06.

Conditions:
Autosomal recessive limb-girdle muscular dystrophy type 2P. Also called: Limb-Girdle Muscular Dystrophy Type 9C; MUSCULAR DYSTROPHY, LIMB-GIRDLE, TYPE 2P; MUSCULAR DYSTROPHY-DYSTROGLYCANOPATHY, LIMB-GIRDLE, DAG1-RELATED. Identifiers: Orphanet 280333, MedGen C4511963, MONDO:0013440, OMIM 613818.
Muscular dystrophy-dystroglycanopathy (congenital with brain and eye anomalies), type A9. Also called: WALKER-WARBURG SYNDROME OR MUSCLE-EYE BRAIN DISEASE, DAG1-RELATED; Muscular dystrophy-dystroglycanopathy (congenital with brain and eye anomalies), type a, 9. Identifiers: Orphanet 370997, Orphanet 899, MedGen C4225291, MONDO:0014683, OMIM 616538.

Allele frequency attached by ClinVar (database versions not stated): gnomAD 0.00001; gnomAD exomes 0.00003; TOPMed 0.00003; ExAC 0.00005.
gnomAD v4.1: 16 of 1,613,926 alleles (0.00099%); highest among the groups gnomAD compares: Admixed American, 0.027%; no homozygotes.

Submissions (2):

Labcorp Genetics (formerly Invitae), Labcorp
Classification: Uncertain significance for Autosomal recessive limb-girdle muscular dystrophy type 2P; Muscular dystrophy-dystroglycanopathy (congenital with brain and eye anomalies), type A9. Last evaluated: 2022-08-06. Review status: criteria provided, single submitter. Criteria: Invitae Variant Classification Sherloc (09022015). Collection method: clinical testing. Allele origin: germline.
Comment: This sequence change replaces threonine, which is neutral and polar, with isoleucine, which is neutral and non-polar, at codon 444 of the DAG1 protein (p.Thr444Ile). This variant is present in population databases (rs773167280, gnomAD 0.05%). This variant has not been reported in the literature in individuals affected with DAG1-related conditions. Algorithms developed to predict the effect of missense changes on protein structure and function are either unavailable or do not agree on the potential impact of this missense change (SIFT: "Deleterious"; PolyPhen-2: "Benign"; Align-GVGD: "Class C0"). In summary, the available evidence is currently insufficient to determine the role of this variant in disease. Therefore, it has been classified as a Variant of Uncertain Significance.

Revvity Omics, Revvity
Classification: Uncertain significance. Last evaluated: 2022-07-19. Review status: criteria provided, single submitter. Criteria: ACMG Guidelines, 2015. Collection method: clinical testing. Allele origin: germline.